The following is an entry in ClinVar:

ClinVar aggregate classification (germline): Uncertain significance (1 of 4 stars; one submission).

Conditions:
Ullrich congenital muscular dystrophy 2 (UCMD2). Identifiers: Orphanet 75840, MedGen C4225314, MONDO:0014654, OMIM 616470.
Bethlem myopathy 2 (BTHLM2). Identifiers: Orphanet 536516, Orphanet 610, MedGen C4225313, MONDO:0034022, OMIM 616471.

Submission:

Labcorp Genetics (formerly Invitae), Labcorp
Classification: Uncertain significance for Bethlem myopathy 2; Ullrich congenital muscular dystrophy 2. Last evaluated: 2024-01-05. Review status: criteria provided, single submitter. Criteria: Invitae Variant Classification Sherloc (09022015). Collection method: clinical testing. Allele origin: germline.
Comment: This sequence change replaces asparagine, which is neutral and polar, with serine, which is neutral and polar, at codon 1795 of the COL12A1 protein (p.Asn1795Ser). This variant is not present in population databases (gnomAD no frequency). This variant has not been reported in the literature in individuals affected with COL12A1-related conditions. Advanced modeling of protein sequence and biophysical properties (such as structural, functional, and spatial information, amino acid conservation, physicochemical variation, residue mobility, and thermodynamic stability) performed at Invitae indicates that this missense variant is not expected to disrupt COL12A1 protein function with a negative predictive value of 80%. In summary, the available evidence is currently insufficient to determine the role of this variant in disease. Therefore, it has been classified as a Variant of Uncertain Significance.

NM_004370.6(COL12A1):c.5384A>G (p.Asn1795Ser)

Gene: COL12A1 (collagen type XII alpha 1 chain; minus strand). Cytogenetic location: 6q13.
Variant type: single nucleotide variant.
Coding change: c.5384A>G on transcript NM_004370.6 (MANE Select); coding-DNA position 5384, A replaced by G.
Protein change: p.Asn1795Ser; replaces asparagine 1795 with serine.
Molecular consequence: missense variant.
Genome position (GRCh38, 1-based): chr6:75,137,447, T>C on the plus strand (A>G on the coding strand, the complement: COL12A1 is on the minus strand). VCF-style: chr6-75137447-T-C. GRCh37 (hg19) VCF-style: chr6-75847163-T-C.
Other names: c.5384A>G, p.Asn1795Ser (NM_001424113.1); c.5363A>G, p.Asn1788Ser (NM_001424114.1); c.5111A>G, p.Asn1704Ser (NM_001424115.1); c.1892A>G, p.Asn631Ser (NM_001424116.1, NM_080645.3); short protein forms N1795S, N1704S, N1788S, N631S.
Identifiers: ClinVar variation 2953781 (VCV002953781.3), dbSNP rs2533310433, ClinGen allele CA364737273.